The following is an entry in ClinVar:

ClinVar aggregate classification (germline): Uncertain significance (1 of 4 stars; one submission).

Conditions:
MHC class I deficiency. Identifiers: Orphanet 34592, MedGen C6024714, MONDO:0011476.

Submission:

Labcorp Genetics (formerly Invitae), Labcorp
Classification: Uncertain significance for Bare lymphocyte syndrome type 1. Last evaluated: 2019-05-09. Review status: criteria provided, single submitter. Criteria: Invitae Variant Classification Sherloc (09022015). Collection method: clinical testing. Allele origin: germline.
Comment: This sequence change replaces valine with phenylalanine at codon 336 of the TAP2 protein (p.Val336Phe). The valine residue is moderately conserved and there is a small physicochemical difference between valine and phenylalanine. This variant is not present in population databases (ExAC no frequency). This variant has not been reported in the literature in individuals with TAP2-related conditions. Algorithms developed to predict the effect of missense changes on protein structure and function are either unavailable or do not agree on the potential impact of this missense change (SIFT: "Deleterious"; PolyPhen-2: "Probably damaging"; Align-GVGD: "Class C0"). In summary, the available evidence is currently insufficient to determine the role of this variant in disease. Therefore, it has been classified as a Variant of Uncertain Significance.

NM_001290043.2(TAP2):c.1006G>T (p.Val336Phe)

Gene: TAP2 (transporter 2, ATP binding cassette subfamily B member; minus strand). Cytogenetic location: 6p21.32.
Variant type: single nucleotide variant.
Coding change: c.1006G>T on transcript NM_001290043.2 (MANE Select); coding-DNA position 1006, G replaced by T.
Protein change: p.Val336Phe; replaces valine 336 with phenylalanine.
Molecular consequence: missense variant.
Genome position (GRCh38, 1-based): chr6:32,832,764, C>A on the plus strand (G>T on the coding strand, the complement: TAP2 is on the minus strand). VCF-style: chr6-32832764-C-A. GRCh37 (hg19) VCF-style: chr6-32800541-C-A.
Other names: c.1006G>T, p.Val336Phe (NM_000544.3, NM_018833.3); short protein forms V336F.
Identifiers: ClinVar variation 952167 (VCV000952167.1), dbSNP rs1243600800, ClinGen allele CA363583368.
Genomic context (GRCh38, chr6:32,832,764, plus strand): 5'-TATAGCGACAGACTTCATGCTCCTCGGCCCCAAAACTGCGAACGGTCTGCAGCCCTCCAA[C>A]GGCTTCCCGCACCACCTGCCCCGCCCTGGCCACTGCATCCTGGATCTCCCGAAGCACTTC-3'
Protein context (NP_001276972.1, residues 326-346): ARAGQVVREA[Val336Phe]GGLQTVRSFG